The following is an entry in ClinVar:

NM_031935.3(HMCN1):c.5623A>G (p.Lys1875Glu)

Gene: HMCN1 (hemicentin 1; plus strand). Cytogenetic location: 1q31.1.
Variant type: single nucleotide variant.
Coding change: c.5623A>G on transcript NM_031935.3 (MANE Select); coding-DNA position 5623, A replaced by G.
Protein change: p.Lys1875Glu; replaces lysine 1875 with glutamic acid.
Molecular consequence: missense variant.
Genome position (GRCh38, 1-based): chr1:186,019,693, A>G. VCF-style: chr1-186019693-A-G. GRCh37 (hg19) VCF-style: chr1-185988825-A-G.
Other names: short protein forms K1875E.
Identifiers: ClinVar variation 1966081 (VCV001966081.5), dbSNP rs1475764119, ClinGen allele CA343893752.

ClinVar aggregate classification (germline): Uncertain significance (1 of 4 stars; one submission).

Allele frequency attached by ClinVar (database versions not stated): gnomAD exomes below 0.00001.
gnomAD v4.1: 1 of 1,611,004 alleles (0.000062%); highest among the groups gnomAD compares: Admixed American, 0.0017%; no homozygotes.

Submission:

Labcorp Genetics (formerly Invitae), Labcorp
Classification: Uncertain significance. Last evaluated: 2022-08-19. Review status: criteria provided, single submitter. Criteria: Invitae Variant Classification Sherloc (09022015). Collection method: clinical testing. Allele origin: germline.
Comment: In summary, the available evidence is currently insufficient to determine the role of this variant in disease. Therefore, it has been classified as a Variant of Uncertain Significance. Algorithms developed to predict the effect of missense changes on protein structure and function output the following: SIFT: "Deleterious"; PolyPhen-2: "Benign"; Align-GVGD: "Class C0". The glutamic acid amino acid residue is found in multiple mammalian species, which suggests that this missense change does not adversely affect protein function. This variant has not been reported in the literature in individuals affected with HMCN1-related conditions. This variant is present in population databases (no rsID available, gnomAD 0.003%). This sequence change replaces lysine, which is basic and polar, with glutamic acid, which is acidic and polar, at codon 1875 of the HMCN1 protein (p.Lys1875Glu).